The following is an entry in ClinVar:

ClinVar aggregate classification (germline): Benign/Likely benign. Review status: criteria provided, multiple submitters, no conflicts (2 of 4 stars). 14 submissions from 9 submitters: Benign (7); Likely benign (7). Last evaluated 2026-08-01.

Conditions:
Charcot-Marie-Tooth disease. Also called: Charcot-Marie-Tooth Hereditary Neuropathy; Charcot-Marie-Tooth Neuropathy. Identifiers: Orphanet 166, MedGen C0007959, MONDO:0015626.
Scapuloperoneal spinal muscular atrophy (SPSMA). Also called: Scapuloperoneal spinal muscular atrophy, autosomal dominant; Scapuloperoneal Spinal Muscular Atrophy, TRPV4-Related; AMYOTROPHY, NEUROGENIC SCAPULOPERONEAL, NEW ENGLAND TYPE; Scapuloperoneal Form of Spinal Muscular Atrophy. Identifiers: Orphanet 431255, MedGen C0751335, MONDO:0008408, OMIM 181405.
Metatropic dysplasia (MTD). Also called: Metatropic Dysplasia, TRPV4-Related; Metatropic dysplasia, nonlethal dominant; METATROPIC DWARFISM. Identifiers: Orphanet 2635, MedGen C0265281, MONDO:0007986, OMIM 156530.
Charcot-Marie-Tooth disease axonal type 2C (HMSN2C). Also called: Charcot-Marie-Tooth Disease Type 2, TRPV4-Related (CMT2C); CHARCOT-MARIE-TOOTH DISEASE, AXONAL, AUTOSOMAL DOMINANT, TYPE 2C; Charcot-Marie-Tooth Neuropathy Type 2C. Identifiers: Orphanet 99937, MedGen C1853710, MONDO:0011633, OMIM 606071.
Spondylometaphyseal dysplasia, Kozlowski type (SMDK). Also called: Spondylometaphyseal Dysplasia, TRPV4-Related (Kozlowski Type); Dysmorphism arthrogryposis skeletal maturation advanced; Jequier-Kozlowski syndrome; Skeletal dysplasia Jequier-Kozlowski type; SMD Kozlowski type. Identifiers: Orphanet 93314, MedGen C0265280, MONDO:0008477, OMIM 184252.
Brachyrachia (short spine dysplasia) (BCYM3). Also called: Autosomal dominant brachyolmia; BRACHYRACHIA; Brachyolmia, TRPV4-Related; Brachyolmia Type 3. Identifiers: Orphanet 93304, MedGen C0432227, MONDO:0007232, OMIM 113500.
Neuronopathy, distal hereditary motor, autosomal dominant 8. Also called: Autosomal dominant congenital benign spinal muscular atrophy; SPINAL MUSCULAR ATROPHY, CONGENITAL BENIGN, WITH CONTRACTURES; NEURONOPATHY, DISTAL HEREDITARY MOTOR, TYPE VIII; NEUROPATHY, DISTAL HEREDITARY MOTOR, TYPE VIII. Identifiers: Orphanet 1216, MedGen C1838492, MONDO:0010839, OMIM 600175.

Allele frequency attached by ClinVar (database versions not stated): 1000 Genomes Project 30x 0.00016; TOPMed 0.00037; gnomAD 0.00042 and 0.00043; ESP Exome Variant Server 0.00062.
gnomAD v4.1: 846 of 1,610,184 alleles (0.053%); highest among the groups gnomAD compares: Non-Finnish European, 0.059%; no homozygotes.

Submissions (14):

CeGaT Center for Human Genetics Tuebingen
Classification: Likely benign. Last evaluated: 2026-08-01. Review status: criteria provided, single submitter. Criteria: CeGaT Center For Human Genetics Tuebingen Variant Classification Criteria Version 2. Collection method: clinical testing. Allele origin: germline. Affected: yes. Observed: 4 variant alleles.
Comment: TRPV4: BP4, BP7

Labcorp Genetics (formerly Invitae), Labcorp
Classification: Benign for Charcot-Marie-Tooth disease axonal type 2C. Last evaluated: 2026-02-01. Review status: criteria provided, single submitter. Criteria: Invitae Variant Classification Sherloc (09022015). Collection method: clinical testing. Allele origin: germline.

Mayo Clinic Laboratories, Mayo Clinic
Classification: Benign. Last evaluated: 2025-10-10. Review status: criteria provided, single submitter. Criteria: ACMG Guidelines, 2015. Collection method: clinical testing. Allele origin: germline. Observed: 1 variant allele.
Comment: BS1, BS2, BP4, BP7

Blueprint Genetics
Classification: Likely benign. Last evaluated: 2024-11-19. Review status: criteria provided, single submitter. Criteria: ACMG Guidelines, 2015. Collection method: clinical testing. Allele origin: germline.

GeneDx
Classification: Likely benign. Last evaluated: 2021-04-21. Review status: criteria provided, single submitter. Criteria: GeneDx Variant Classification Process June 2021. Collection method: clinical testing. Allele origin: germline. Affected: yes.
Comment: Has not been previously published as pathogenic or benign to our knowledge

ARUP Laboratories, Molecular Genetics and Genomics, ARUP Laboratories
Classification: Likely benign. Last evaluated: 2021-02-12. Review status: criteria provided, single submitter. Criteria: ARUP Molecular Germline Variant Investigation Process 2021. Collection method: clinical testing. Allele origin: germline.

Illumina Laboratory Services, Illumina
Classification: Likely benign for Charcot-Marie-Tooth disease axonal type 2C. Last evaluated: 2018-01-13. Review status: criteria provided, single submitter. Criteria: ICSL Variant Classification Criteria 13 December 2019. Collection method: clinical testing. Allele origin: germline.
Comment: This variant was observed in the ICSL laboratory as part of a predisposition screen in an ostensibly healthy population. It had not been previously curated by ICSL or reported in the Human Gene Mutation Database (HGMD: prior to June 1st, 2018), and was therefore a candidate for classification through an automated scoring system. Utilizing variant allele frequency, disease prevalence and penetrance estimates, and inheritance mode, an automated score was calculated to assess if this variant is too frequent to cause the disease. Based on the score and internal cut-off values, a variant classified as likely benign is not then subjected to further curation. The score for this variant resulted in a classification of likely benign for this disease.

Illumina Laboratory Services, Illumina
Classification: Benign for Metatropic dysplasia. Last evaluated: 2018-01-13. Review status: criteria provided, single submitter. Criteria: ICSL Variant Classification Criteria 13 December 2019. Collection method: clinical testing. Allele origin: germline.
Comment: This variant was observed in the ICSL laboratory as part of a predisposition screen in an ostensibly healthy population. It had not been previously curated by ICSL or reported in the Human Gene Mutation Database (HGMD: prior to June 1st, 2018), and was therefore a candidate for classification through an automated scoring system. Utilizing variant allele frequency, disease prevalence and penetrance estimates, and inheritance mode, an automated score was calculated to assess if this variant is too frequent to cause the disease. Based on the score and internal cut-off values, a variant classified as benign is not then subjected to further curation. The score for this variant resulted in a classification of benign for this disease.

Illumina Laboratory Services, Illumina
Classification: Benign for Scapuloperoneal spinal muscular atrophy. Last evaluated: 2018-01-13. Review status: criteria provided, single submitter. Criteria: ICSL Variant Classification Criteria 13 December 2019. Collection method: clinical testing. Allele origin: germline.
Comment: the same text as in the submission from Illumina Laboratory Services, Illumina above.

Illumina Laboratory Services, Illumina
Classification: Benign for Spondylometaphyseal dysplasia, Kozlowski type. Last evaluated: 2018-01-13. Review status: criteria provided, single submitter. Criteria: ICSL Variant Classification Criteria 13 December 2019. Collection method: clinical testing. Allele origin: germline.
Comment: the same text as in the submission from Illumina Laboratory Services, Illumina above.

Illumina Laboratory Services, Illumina
Classification: Benign for Neuronopathy, distal hereditary motor, autosomal dominant 8. Last evaluated: 2018-01-13. Review status: criteria provided, single submitter. Criteria: ICSL Variant Classification Criteria 13 December 2019. Collection method: clinical testing. Allele origin: germline.
Comment: the same text as in the submission from Illumina Laboratory Services, Illumina above.

Illumina Laboratory Services, Illumina
Classification: Benign for Brachyrachia (short spine dysplasia). Last evaluated: 2018-01-13. Review status: criteria provided, single submitter. Criteria: ICSL Variant Classification Criteria 13 December 2019. Collection method: clinical testing. Allele origin: germline.
Comment: the same text as in the submission from Illumina Laboratory Services, Illumina above.

Breakthrough Genomics
Classification: Likely benign. Review status: criteria provided, single submitter. Criteria: ACMG Guidelines, 2015. Collection method: not provided. Allele origin: germline. Inheritance: Autosomal dominant inheritance. Affected: yes.

Molecular Genetics Laboratory, London Health Sciences Centre
Classification: Likely benign for Charcot-Marie-Tooth disease. Review status: criteria provided, single submitter. Criteria: ACMG Guidelines, 2015. Collection method: clinical testing. Allele origin: germline. Affected: yes.

NM_021625.5(TRPV4):c.1539C>T (p.Gly513=)

Gene: TRPV4 (transient receptor potential cation channel subfamily V member 4; minus strand). Cytogenetic location: 12q24.11.
Variant type: single nucleotide variant.
Coding change: c.1539C>T on transcript NM_021625.5 (MANE Select); coding-DNA position 1539, C replaced by T.
Protein change: p.Gly513=; no amino-acid change (glycine 513 retained).
Molecular consequence: synonymous variant.
Genome position (GRCh38, 1-based): chr12:109,793,975, G>A on the plus strand (C>T on the coding strand, the complement: TRPV4 is on the minus strand). VCF-style: chr12-109793975-G-A. GRCh37 (hg19) VCF-style: chr12-110231780-G-A.
Other names: p.Gly513=; c.1398C>T, p.Gly466= (NM_001177428.2); c.1437C>T, p.Gly479= (NM_001177431.2); c.1218C>T, p.Gly406= (NM_001177433.2); c.1359C>T, p.Gly453= (NM_147204.3).
Identifiers: ClinVar variation 245675 (VCV000245675.51), dbSNP rs141295418, ClinGen allele CA6780195.